The following is an entry in ClinVar:

ClinVar aggregate classification (germline): Conflicting classifications of pathogenicity. Review status: criteria provided, conflicting classifications (1 of 4 stars). 3 submissions from 3 submitters: Uncertain significance (2); Likely benign (1). Last evaluated 2025-03-11.

Conditions:
Cardiovascular phenotype. Identifiers: MedGen CN230736.
Alstrom syndrome (ALMS). Identifiers: Orphanet 64, MedGen C0268425, MONDO:0008763, OMIM 203800.

gnomAD v4.1: 6 of 1,613,902 alleles (0.00037%); highest among the groups gnomAD compares: Non-Finnish European, 0.00051%; no homozygotes.

Submissions (3):

Ambry Genetics
Classification: Likely benign for Cardiovascular phenotype. Last evaluated: 2025-03-11. Review status: criteria provided, single submitter. Criteria: Ambry Variant Classification Scheme 2023. Collection method: clinical testing. Allele origin: germline.

Labcorp Genetics (formerly Invitae), Labcorp
Classification: Uncertain significance for Alstrom syndrome. Last evaluated: 2024-12-09. Review status: criteria provided, single submitter. Criteria: Invitae Variant Classification Sherloc (09022015). Collection method: clinical testing. Allele origin: germline.
Comment: This sequence change replaces aspartic acid, which is acidic and polar, with glutamic acid, which is acidic and polar, at codon 423 of the ALMS1 protein (p.Asp423Glu). This variant is present in population databases (no rsID available, gnomAD 0.0009%). This variant has not been reported in the literature in individuals affected with ALMS1-related conditions. ClinVar contains an entry for this variant (Variation ID: 1510732). Experimental studies and prediction algorithms are not available or were not evaluated, and the functional significance of this variant is currently unknown. In summary, the available evidence is currently insufficient to determine the role of this variant in disease. Therefore, it has been classified as a Variant of Uncertain Significance.

Fulgent Genetics
Classification: Uncertain significance for Alstrom syndrome. Last evaluated: 2021-12-22. Review status: criteria provided, single submitter. Criteria: ACMG Guidelines, 2015. Collection method: clinical testing. Allele origin: unknown.

NM_001378454.1(ALMS1):c.1266C>A (p.Asp422Glu)

Gene: ALMS1 (ALMS1 centrosome and basal body associated protein; plus strand). Cytogenetic location: 2p13.1.
Variant type: single nucleotide variant.
Coding change: c.1266C>A on transcript NM_001378454.1 (MANE Select); coding-DNA position 1266, C replaced by A.
Protein change: p.Asp422Glu; replaces aspartic acid 422 with glutamic acid.
Molecular consequence: missense variant.
Genome position (GRCh38, 1-based): chr2:73,426,481, C>A. VCF-style: chr2-73426481-C-A. GRCh37 (hg19) VCF-style: chr2-73653609-C-A.
Other names: c.1269C>A, p.Asp423Glu (NM_015120.4); short protein forms D422E, D423E.
Identifiers: ClinVar variation 1510732 (VCV001510732.7), dbSNP rs1396189205, ClinGen allele CA347261872.